The following is an entry in ClinVar:

NM_002069.6(GNAI1):c.891A>T (p.Glu297Asp)

Gene: GNAI1 (G protein subunit alpha i1; plus strand). Cytogenetic location: 7q21.11.
Variant type: single nucleotide variant.
Coding change: c.891A>T on transcript NM_002069.6 (MANE Select); coding-DNA position 891, A replaced by T.
Protein change: p.Glu297Asp; replaces glutamic acid 297 with aspartic acid.
Molecular consequence: missense variant.
Genome position (GRCh38, 1-based): chr7:80,217,319, A>T. VCF-style: chr7-80217319-A-T. GRCh37 (hg19) VCF-style: chr7-79846635-A-T.
Other names: c.735A>T, p.Glu245Asp (NM_001256414.2); short protein forms E297D, E245D.
Identifiers: ClinVar variation 4983801 (VCV004983801.1).

ClinVar aggregate classification (germline): Uncertain significance (1 of 4 stars; one submission).

Conditions:
GNAI1-related disorder.

gnomAD v4.1: 3 of 1,578,054 alleles (0.00019%); highest among the groups gnomAD compares: Non-Finnish European, 0.00026%; no homozygotes.

Submission:

PreventionGenetics, part of Exact Sciences
Classification: Uncertain significance for GNAI1-related condition. Last evaluated: 2025-01-15. Review status: criteria provided, single submitter. Criteria: ACMG Guidelines, 2015. Collection method: clinical testing. Allele origin: germline.
Comment: The GNAI1 c.891A>T variant is predicted to result in the amino acid substitution p.Glu297Asp. To our knowledge, this variant has not been reported in the literature or in a large population database (gnomAD), indicating this variant is rare. At this time, the clinical significance of this variant is uncertain due to the absence of conclusive functional and genetic evidence.